The following is an entry in ClinVar:

ClinVar aggregate classification (germline): Uncertain significance (1 of 4 stars; one submission).

Submission:

Labcorp Genetics (formerly Invitae), Labcorp
Classification: Uncertain significance. Last evaluated: 2025-06-15. Review status: criteria provided, single submitter. Criteria: Invitae Variant Classification Sherloc (09022015). Collection method: clinical testing. Allele origin: germline.
Comment: This sequence change replaces proline, which is neutral and non-polar, with serine, which is neutral and polar, at codon 101 of the PSMG2 protein (p.Pro101Ser). This variant is not present in population databases (gnomAD no frequency). This variant has not been reported in the literature in individuals affected with PSMG2-related conditions. An algorithm developed to predict the effect of missense changes on protein structure and function outputs the following: PolyPhen-2: "Benign". The serine amino acid residue is found in multiple mammalian species, which suggests that this missense change does not adversely affect protein function. In summary, the available evidence is currently insufficient to determine the role of this variant in disease. Therefore, it has been classified as a Variant of Uncertain Significance.

NM_020232.5(PSMG2):c.301C>T (p.Pro101Ser)

Gene: PSMG2 (proteasome assembly chaperone 2; plus strand). Cytogenetic location: 18p11.21.
Variant type: single nucleotide variant.
Coding change: c.301C>T on transcript NM_020232.5 (MANE Select); coding-DNA position 301, C replaced by T.
Protein change: p.Pro101Ser; replaces proline 101 with serine.
Molecular consequence: missense variant.
Genome position (GRCh38, 1-based): chr18:12,718,529, C>T. VCF-style: chr18-12718529-C-T. GRCh37 (hg19) VCF-style: chr18-12718528-C-T.
Other names: c.208C>T, p.Pro70Ser (NM_147163.2); short protein forms P101S, P70S.
Identifiers: ClinVar variation 4721513 (VCV004721513.1).